The following is an entry in ClinVar:

ClinVar aggregate classification (germline): Uncertain significance (1 of 4 stars; one submission).

Conditions:
Early-infantile DEE. Also called: Ohtahara syndrome; Early infantile epileptic encephalopathy with suppression bursts; Early infantile epileptic encephalopathy. Identifiers: Orphanet 1934, MedGen C0393706, MONDO:0800491.

Submission:

Labcorp Genetics (formerly Invitae), Labcorp
Classification: Uncertain significance for Early-infantile DEE. Last evaluated: 2025-12-21. Review status: criteria provided, single submitter. Criteria: Invitae Variant Classification Sherloc (09022015). Collection method: clinical testing. Allele origin: germline.
Comment: This sequence change replaces leucine, which is neutral and non-polar, with serine, which is neutral and polar, at codon 492 of the ARHGEF15 protein (p.Leu492Ser). This variant is present in population databases (no rsID available, gnomAD 0.007%). This variant has not been reported in the literature in individuals affected with ARHGEF15-related conditions. An algorithm developed to predict the effect of missense changes on protein structure and function (PolyPhen-2) suggests that this variant is likely to be disruptive. In summary, the available evidence is currently insufficient to determine the role of this variant in disease. Therefore, it has been classified as a Variant of Uncertain Significance.

NM_173728.4(ARHGEF15):c.1475T>C (p.Leu492Ser)

Gene: ARHGEF15 (Rho guanine nucleotide exchange factor 15; plus strand). Cytogenetic location: 17p13.1.
Variant type: single nucleotide variant.
Coding change: c.1475T>C on transcript NM_173728.4 (MANE Select); coding-DNA position 1475, T replaced by C.
Protein change: p.Leu492Ser; replaces leucine 492 with serine.
Molecular consequence: missense variant.
Genome position (GRCh38, 1-based): chr17:8,315,808, T>C. VCF-style: chr17-8315808-T-C. GRCh37 (hg19) VCF-style: chr17-8219126-T-C.
Other names: c.1475T>C, p.Leu492Ser (NM_025014.2); short protein forms L492S.
Identifiers: ClinVar variation 4767182 (VCV004767182.1).